The following is an entry in ClinVar:

ClinVar aggregate classification (germline): Uncertain significance (1 of 4 stars; one submission).

Allele frequency attached by ClinVar (database versions not stated): ExAC 0.00001; gnomAD exomes 0.00001; TOPMed 0.00001; gnomAD 0.00002.
gnomAD v4.1: 20 of 1,614,020 alleles (0.0012%); highest among the groups gnomAD compares: Non-Finnish European, 0.0016%; no homozygotes.

Submission:

CeGaT Center for Human Genetics Tuebingen
Classification: Uncertain significance. Last evaluated: 2023-02-01. Review status: criteria provided, single submitter. Criteria: CeGaT Center For Human Genetics Tuebingen Variant Classification Criteria Version 2. Collection method: clinical testing. Allele origin: germline. Affected: yes. Observed: 2 variant alleles.
Comment: ARHGEF10: PP3

NM_014629.4(ARHGEF10):c.2748A>G (p.Gln916=)

Gene: ARHGEF10 (Rho guanine nucleotide exchange factor 10; plus strand). Cytogenetic location: 8p23.3.
Variant type: single nucleotide variant.
Coding change: c.2748A>G on transcript NM_014629.4 (MANE Select); coding-DNA position 2748, A replaced by G.
Protein change: p.Gln916=; no amino-acid change (glutamine 916 retained).
Molecular consequence: synonymous variant.
Genome position (GRCh38, 1-based): chr8:1,928,477, A>G. VCF-style: chr8-1928477-A-G. GRCh37 (hg19) VCF-style: chr8-1876643-A-G.
Other names: c.2634A>G, p.Gln878= (NM_001308152.2); c.2748A>G, p.Gln916= (NM_001308153.3).
Identifiers: ClinVar variation 374682 (VCV000374682.43), dbSNP rs763365885, ClinGen allele CA4601056.